The following is an entry in ClinVar:

ClinVar aggregate classification (germline): Benign (1 of 4 stars; one submission).

Allele frequency attached by ClinVar (database versions not stated): 1000 Genomes Project 30x 0.15959; TOPMed 0.17403; gnomAD 0.18123 and 0.18168; gnomAD exomes 0.19802; 1000 Genomes Project 0.16094.

Submission:

GeneDx
Classification: Benign. Last evaluated: 2018-06-16. Review status: criteria provided, single submitter. Criteria: GeneDx Variant Classification (06012015). Collection method: clinical testing. Allele origin: germline. Affected: yes.
Comment: This variant is considered likely benign or benign based on one or more of the following criteria: it is a conservative change, it occurs at a poorly conserved position in the protein, it is predicted to be benign by multiple in silico algorithms, and/or has population frequency not consistent with disease.

NM_006876.2(B4GAT1):c.-248C>T

Genes: B4GAT1 (beta-1,4-glucuronyltransferase 1; minus strand), LOC130006116 (ATAC-STARR-seq lymphoblastoid silent region 3589; plus strand). Cytogenetic location: 11q13.2.
Variant type: single nucleotide variant.
Coding change: c.-248C>T on transcript NM_006876.2; 248 bases upstream of the start codon, C replaced by T.
Genome position (GRCh38, 1-based): chr11:66,347,793, G>A on the plus strand (C>T on the coding strand, the complement: B4GAT1 is on the minus strand). VCF-style: chr11-66347793-G-A. GRCh37 (hg19) VCF-style: chr11-66115264-G-A.
Identifiers: ClinVar variation 678225 (VCV000678225.3), dbSNP rs11227464, ClinGen allele CA15680969.
Genomic context (GRCh38, chr11:66,347,793, plus strand): 5'-GGCGCGCCGGCTCGCCCCCTACGAGGGAGGAGGAGCCACGGCCCCGCCGCTCGGCCGCGC[G>A]CCGTGCAGACGCCCGCCCGCCCGGGCCCCGCCGGCTTCCCGGGACGCACTCCTCTCCCTC-3'